The following is an entry in ClinVar:

ClinVar aggregate classification (germline): Likely benign (1 of 4 stars; one submission).

Allele frequency attached by ClinVar (database versions not stated): gnomAD 0.00003; TOPMed 0.00003.
gnomAD v4.1: 19 of 1,595,754 alleles (0.0012%); highest among the groups gnomAD compares: African/African-American, 0.0013%; no homozygotes.

Submission:

CeGaT Center for Human Genetics Tuebingen
Classification: Likely benign. Last evaluated: 2022-12-01. Review status: criteria provided, single submitter. Criteria: CeGaT Center For Human Genetics Tuebingen Variant Classification Criteria Version 2. Collection method: clinical testing. Allele origin: germline. Affected: yes. Observed: 1 variant allele.
Comment: CDT1: BP4, BP7

NM_030928.4(CDT1):c.861G>A (p.Thr287=)

Gene: CDT1 (chromatin licensing and DNA replication factor 1; plus strand). Cytogenetic location: 16q24.3.
Variant type: single nucleotide variant.
Coding change: c.861G>A on transcript NM_030928.4 (MANE Select); coding-DNA position 861, G replaced by A.
Protein change: p.Thr287=; no amino-acid change (threonine 287 retained).
Molecular consequence: synonymous variant.
Genome position (GRCh38, 1-based): chr16:88,806,049, G>A. VCF-style: chr16-88806049-G-A. GRCh37 (hg19) VCF-style: chr16-88872457-G-A.
Identifiers: ClinVar variation 2647010 (VCV002647010.24), dbSNP rs1385781702, ClinGen allele CA497369109.
Genomic context (GRCh38, chr16:88,806,049, plus strand): 5'-GGTGGGGACTTAGGCCTGGACTCGTCCCACAGAGGCTGACGGAGCAGCCCCCCAGCTCAC[G>A]GCCTCGCGCCTCCTGCAGCGACGGCAGATCTTCAGCCAGAAGCTGGTGGAGCATGTCAAG-3'
Protein context (NP_112190.2, residues 277-297): QEADGAAPQL[Thr287=]ASRLLQRRQI